The following is an entry in ClinVar:

NM_030578.4(B9D2):c.509G>A (p.Arg170His)

Gene: B9D2 (B9 domain containing 2; minus strand). Cytogenetic location: 19q13.2.
Variant type: single nucleotide variant.
Coding change: c.509G>A on transcript NM_030578.4 (MANE Select); coding-DNA position 509, G replaced by A.
Protein change: p.Arg170His; replaces arginine 170 with histidine.
Molecular consequence: missense variant.
Genome position (GRCh38, 1-based): chr19:41,354,719, C>T on the plus strand (G>A on the coding strand, the complement: B9D2 is on the minus strand). VCF-style: chr19-41354719-C-T. GRCh37 (hg19) VCF-style: chr19-41860624-C-T.
Other names: short protein forms R170H.
Identifiers: ClinVar variation 2143683 (VCV002143683.4), dbSNP rs770180138, ClinGen allele CA9460227.

ClinVar aggregate classification (germline): Uncertain significance (1 of 4 stars; one submission).

Conditions:
Joubert syndrome. Also called: CEREBELLOPARENCHYMAL DISORDER IV; JOUBERT-BOLTSHAUSER SYNDROME; Familial aplasia of the vermis. Identifiers: Orphanet 475, MedGen C5979921, MONDO:0018772.
Meckel-Gruber syndrome. Also called: DYSENCEPHALIA SPLANCHNOCYSTICA; GRUBER SYNDROME; Dysencephalia splachnocystica. Identifiers: Orphanet 564, MedGen C0265215, MONDO:0018921.

Allele frequency attached by ClinVar (database versions not stated): ExAC 0.00002.
gnomAD v4.1: 33 of 1,613,910 alleles (0.002%); highest among the groups gnomAD compares: South Asian, 0.0044%; no homozygotes.

Submission:

Labcorp Genetics (formerly Invitae), Labcorp
Classification: Uncertain significance for Joubert syndrome; Meckel-Gruber syndrome. Last evaluated: 2024-12-12. Review status: criteria provided, single submitter. Criteria: Invitae Variant Classification Sherloc (09022015). Collection method: clinical testing. Allele origin: germline.
Comment: This sequence change replaces arginine, which is basic and polar, with histidine, which is basic and polar, at codon 170 of the B9D2 protein (p.Arg170His). This variant is present in population databases (rs770180138, gnomAD 0.003%). This variant has not been reported in the literature in individuals affected with B9D2-related conditions. ClinVar contains an entry for this variant (Variation ID: 2143683). An algorithm developed to predict the effect of missense changes on protein structure and function (PolyPhen-2) suggests that this variant is likely to be tolerated. In summary, the available evidence is currently insufficient to determine the role of this variant in disease. Therefore, it has been classified as a Variant of Uncertain Significance.